The following is an entry in ClinVar:

NM_006231.4(POLE):c.62+4A>C

Genes: POLE (DNA polymerase epsilon, catalytic subunit; minus strand), LOC130009266 (ATAC-STARR-seq lymphoblastoid silent region 5123; plus strand). Cytogenetic location: 12q24.33.
Variant type: single nucleotide variant.
Coding change: c.62+4A>C on transcript NM_006231.4 (MANE Select); 4 bases into the intron after coding-DNA position 62, A replaced by C.
Molecular consequence: intron variant.
Genome position (GRCh38, 1-based): chr12:132,687,250, T>G on the plus strand (A>C on the coding strand, the complement: POLE is on the minus strand). VCF-style: chr12-132687250-T-G. GRCh37 (hg19) VCF-style: chr12-133263836-T-G.
Identifiers: ClinVar variation 5027034 (VCV005027034.1).

ClinVar aggregate classification (germline): Uncertain significance (1 of 4 stars; one submission).

Conditions:
Hereditary cancer-predisposing syndrome. Also called: Neoplastic Syndromes, Hereditary; Tumor predisposition; Hereditary neoplastic syndrome; Hereditary Cancer Syndrome. Identifiers: Orphanet 140162, MedGen C0027672, MeSH D009386, MONDO:0015356.

Submission:

Ambry Genetics
Classification: Uncertain significance for Hereditary cancer-predisposing syndrome. Last evaluated: 2026-08-17. Review status: criteria provided, single submitter. Criteria: Ambry Variant Classification Scheme 2023. Collection method: clinical testing. Allele origin: germline.
Comment: The c.62+4A>C intronic variant results from an A to C substitution 4 nucleotides after coding exon 1 in the POLE gene. This nucleotide position is well conserved in available vertebrate species. In silico splice site analysis predicts that this alteration will not have any significant effect on splicing. Based on the available evidence, the clinical significance of this variant remains unclear.